The following is an entry in ClinVar:

ClinVar aggregate classification (germline): Uncertain significance (1 of 4 stars; one submission).

Conditions:
Inborn genetic diseases. Identifiers: MedGen C0950123, MeSH D030342.

Submission:

Ambry Genetics
Classification: Uncertain significance for Inborn genetic diseases. Last evaluated: 2026-04-25. Review status: criteria provided, single submitter. Criteria: Ambry Variant Classification Scheme 2023. Collection method: clinical testing. Allele origin: germline.
Comment: The p.A127T variant (also known as c.379G>A), located in coding exon 4 of the ELANE gene, results from a G to A substitution at nucleotide position 379. The alanine at codon 127 is replaced by threonine, an amino acid with similar properties. This amino acid position is conserved. In addition, the in silico prediction for this alteration is inconclusive. Based on the available evidence, the clinical significance of this variant remains unclear.

NM_001972.4(ELANE):c.379G>A (p.Ala127Thr)

Gene: ELANE (elastase, neutrophil expressed; plus strand). Cytogenetic location: 19p13.3.
Variant type: single nucleotide variant.
Coding change: c.379G>A on transcript NM_001972.4 (MANE Select); coding-DNA position 379, G replaced by A.
Protein change: p.Ala127Thr; replaces alanine 127 with threonine.
Molecular consequence: missense variant.
Genome position (GRCh38, 1-based): chr19:855,576, G>A. VCF-style: chr19-855576-G-A. GRCh37 (hg19) VCF-style: chr19-855576-G-A.
Other names: short protein forms A127T.
Identifiers: ClinVar variation 4870355 (VCV004870355.1).
Genomic context (GRCh38, chr19:855,576, plus strand): 5'-CATCACTGCCCCGTGTGACGCGCTGACGATCTGTCCCCACCGCCACAGCTCAACGGGTCG[G>A]CCACCATCAACGCCAACGTGCAGGTGGCCCAGCTGCCGGCTCAGGGACGCCGCCTGGGCA-3'
Protein context (NP_001963.1, residues 117-137): DIVILQLNGS[Ala127Thr]TINANVQVAQ